The following is an entry in ClinVar:

NM_144997.7(FLCN):c.1156_1175del (p.Ser386fs)

Gene: FLCN (folliculin; minus strand). Cytogenetic location: 17p11.2.
Variant type: Deletion.
Coding change: c.1156_1175del on transcript NM_144997.7 (MANE Select); coding-DNA positions 1156 to 1175, 20 bases deleted (TCAGCTTTTGAAGTACTTCG).
Protein change: p.Ser386fs; shifts the reading frame from serine 386.
Molecular consequence: frameshift variant.
Genome position (GRCh38, 1-based): chr17:17,217,070-17,217,089, CGAAGTACTTCAAAAGCTGA deleted on the plus strand (TCAGCTTTTGAAGTACTTCG on the coding strand, the reverse complement: FLCN is on the minus strand); deleting any 20 consecutive bases within chr17:17,217,070-17,217,090 gives the same sequence; the c. name uses the placement nearest the transcript's 3' end. VCF-style (leftmost placement, unchanged base first): chr17-17217069-CCGAAGTACTTCAAAAGCTGA-C. GRCh37 (hg19) VCF-style: chr17-17120383-CCGAAGTACTTCAAAAGCTGA-C.
Other names: c.1156_1175del (LRG_325t1); c.1210_1229del, p.Ser404fs (NM_001353229.2); c.1156_1175del, p.Ser386fs (NM_001353230.2, NM_001353231.2); short protein forms S404fs, S386fs.
Identifiers: ClinVar variation 3375 (VCV000003375.2), dbSNP rs886037610, ClinGen allele CA10575476.

ClinVar aggregate classification (germline): Pathogenic. Review status: criteria provided, single submitter (1 of 4 stars). 2 submissions from 2 submitters: Pathogenic (1). 1 of the submissions does not count toward it. Last evaluated 2025-12-13.

Conditions:
Birt-Hogg-Dube syndrome. Also called: Birt Hogg Dubé syndrome. Identifiers: Orphanet 122, MedGen C0346010, MONDO:0800444.
Familial spontaneous pneumothorax (PSP). Identifiers: Orphanet 2903, MedGen C1868193, MONDO:0008259, OMIM 173600.

Submissions (2):

Labcorp Genetics (formerly Invitae), Labcorp
Classification: Pathogenic for Birt-Hogg-Dube syndrome. Last evaluated: 2025-12-13. Review status: criteria provided, single submitter. Criteria: Invitae Variant Classification Sherloc (09022015). Collection method: clinical testing. Allele origin: germline.
Comment: This sequence change creates a premature translational stop signal (p.Ser386Aspfs*63) in the FLCN gene. It is expected to result in an absent or disrupted protein product. Loss-of-function variants in FLCN are known to be pathogenic (PMID: 15852235). This variant is not present in population databases (gnomAD no frequency). This premature translational stop signal has been observed in individual(s) with primary spontaneous pneumothorax (PMID: 19802896). ClinVar contains an entry for this variant (Variation ID: 3375). For these reasons, this variant has been classified as Pathogenic.

OMIM
Classification: Pathogenic for PNEUMOTHORAX, PRIMARY SPONTANEOUS. Last evaluated: 2009-09-01. Review status: no assertion criteria provided. Collection method: literature only. Allele origin: germline. Not counted in ClinVar's aggregate classification.

Literature cited by the submitters: PubMed 15852235 (cited by Labcorp Genetics (formerly Invitae), Labcorp); PubMed 19802896 (cited by Labcorp Genetics (formerly Invitae), Labcorp); PubMed 19562744 (cited by OMIM); PubMed 18505456 (cited by OMIM).